The following is an entry in ClinVar:

NC_000001.11:g.(?_161323614)_(161323670_?)del

Gene: SDHC (succinate dehydrogenase complex subunit C; plus strand). Cytogenetic location: 1q23.3.
Variant type: Deletion.
Identifiers: ClinVar variation 417395 (VCV000417395.1).

ClinVar aggregate classification (germline): Uncertain significance (1 of 4 stars; one submission).

Conditions:
Gastrointestinal stromal tumor. Also called: Gastrointestinal stroma tumor; Gastrointestinal stromal tumor, somatic. Identifiers: Orphanet 44890, MedGen C0238198, MeSH D046152, MONDO:0011719, OMIM 606764, HP:0100723.
Pheochromocytoma/paraganglioma syndrome 3. Also called: GLOMUS TUMORS, FAMILIAL, 3; Paragangliomas 3; SDHC-Related Hereditary Paraganglioma-Pheochromocytoma Syndrome (Paragangliomas 3); SDHC-Related Hereditary Paraganglioma-Pheochromocytoma Syndrome. Identifiers: Orphanet 29072, MedGen C1854336, MONDO:0011544, OMIM 605373.

Submission:

Labcorp Genetics (formerly Invitae), Labcorp
Classification: Uncertain significance for Pheochromocytoma/paraganglioma syndrome 3; Gastrointestinal stromal tumor. Last evaluated: 2016-12-13. Review status: criteria provided, single submitter. Criteria: Invitae Variant Classification Sherloc (09022015). Collection method: clinical testing. Allele origin: germline.
Comment: This variant is a gross deletion of the genomic region encompassing exon 2 of the SDHC gene. This leads to an in-frame deletion, preserving the integrity of the reading frame. This variant has been reported in the literature in an individual affected with paraganglioma (PMID: 19454582). Experimental studies and prediction algorithms are not available for this variant, and the functional significance of the deleted amino acids is currently unknown. In summary, this variant is a rare in-frame deletion with uncertain impact on protein function. Therefore, it has been classified as a Variant of Uncertain Significance.